The following is an entry in ClinVar:

NM_004239.4(TRIP11):c.3104_3105insTTTTTTTTTTTTTTTTTTTTNNNNNNNNNNATCCACCCGCCTCGGCCTCCCAAAGTGCTGGGATTACAGGCGTGAGCCACCGCGCCCGGCCGAGATTAAACTTCT (p.Leu1035_Asn1036insPhePhePhePhePhePheXaaXaaXaaXaaSerThrArgLeuGlyLeuProLysCysTrpAspTyrArgArgGluProProArgProAlaGluIleLysLeuLeu)

Gene: TRIP11 (thyroid hormone receptor interactor 11; minus strand). Cytogenetic location: 14q32.12.
Variant type: Insertion.
Coding change: c.3104_3105insTTTTTTTTTTTTTTTTTTTTNNNNNNNNNNATCCACCCGCCTCGGCCTCCCAAAGTGCTGGGATTACAGGCGTGAGCCACCGCGCCCGGCCGAGATTAAACTTCT on transcript NM_004239.4 (MANE Select); coding-DNA positions 3104 to 3105, TTTTTTTTTTTTTTTTTTTTNNNNNNNNNNATCCACCCGCCTCGGCCTCCCAAAGTGCTGGGATTACAGGCGTGAGCCACCGCGCCCGGCCGAGATTAAACTTCT inserted.
Protein change: p.Leu1035_Asn1036insPhePhePhePhePhePheXaaXaaXaaXaaSerThrArgLeuGlyLeuProLysCysTrpAspTyrArgArgGluProProArgProAlaGluIleLysLeuLeu.
Molecular consequence: inframe insertion.
Genome position: GRCh38: chr14:92,004,885-92,004,886. GRCh37 (hg19): chr14:92,471,229-92,471,230.
Other names: c.3101_3102insTTTTTTTTTTTTTTTTTTTTNNNNNNNNNNATCCACCCGCCTCGGCCTCCCAAAGTGCTGGGATTACAGGCGTGAGCCACCGCGCCCGGCCGAGATTAAACTTCT, p.Leu1034_Asn1035insPhePhePhePhePhePheXaaXaaXaaXaaSerThrArgLeuGlyLeuProLysCysTrpAspTyrArgArgGluProProArgProAlaGluIleLysLeuLeu (NM_001321851.1).
Identifiers: ClinVar variation 2833369 (VCV002833369.3), dbSNP rs2543030185.

ClinVar aggregate classification (germline): Pathogenic (1 of 4 stars; one submission).

Conditions:
Achondrogenesis, type IA (ACG1A). Identifiers: Orphanet 932, Orphanet 93299, MedGen C0265273, MONDO:0008701, OMIM 200600.

Submission:

Labcorp Genetics (formerly Invitae), Labcorp
Classification: Pathogenic for Achondrogenesis, type IA. Last evaluated: 2023-05-22. Review status: criteria provided, single submitter. Criteria: Invitae Variant Classification Sherloc (09022015). Collection method: clinical testing. Allele origin: germline.
Comment: For these reasons, this variant has been classified as Pathogenic. Retrotransposon insertions including LINE1 (L1), Alu, and SVA (SINE-VNTR-Alu) have been reported to be disease-causing through disruption of either a coding region or splice site (PMID: 19763152, 20307669, 22406018) and loss-of-function variants in TRIP11 are known to be pathogenic (PMID: 20089971, 23956106). This variant is not present in population databases (gnomAD no frequency). This variant has not been reported in the literature in individuals affected with TRIP11-related conditions. This sequence change inserts a large fragment of DNA, likely a transposable element, in exon 11 of the TRIP11 gene (c.3104_3105ins?), causing a frameshift at codon 1035 (p.Leu1035fs). The exact size and sequence of the insertion cannot be determined by the current assay. However, the insertion is expected to result in an absent or disrupted protein product.

Literature cited by the submitters: PubMed 19763152; PubMed 20307669; PubMed 22406018; PubMed 20089971; PubMed 23956106.